The following is an entry in ClinVar:

ClinVar aggregate classification (germline): Uncertain significance. Review status: criteria provided, multiple submitters, no conflicts (2 of 4 stars). 2 submissions from 2 submitters: Uncertain significance (2). Last evaluated 2025-06-27.

Conditions:
Hereditary cancer-predisposing syndrome. Also called: Neoplastic Syndromes, Hereditary; Tumor predisposition; Hereditary Cancer Syndrome; Hereditary neoplastic syndrome. Identifiers: Orphanet 140162, MedGen C0027672, MeSH D009386, MONDO:0015356.
Bloom syndrome (BLM). Also called: Bloom-Torre-Machacek syndrome. Identifiers: Orphanet 125, MedGen C0005859, MONDO:0008876, OMIM 210900.

Submissions (2):

Ambry Genetics
Classification: Uncertain significance for Hereditary cancer-predisposing syndrome. Last evaluated: 2025-06-27. Review status: criteria provided, single submitter. Criteria: Ambry Variant Classification Scheme 2023. Collection method: clinical testing. Allele origin: germline.
Comment: The p.Q1387L variant (also known as c.4160A>T), located in coding exon 21 of the BLM gene, results from an A to T substitution at nucleotide position 4160. The glutamine at codon 1387 is replaced by leucine, an amino acid with dissimilar properties. This amino acid position is conserved. In addition, this alteration is predicted to be tolerated by in silico analysis. Based on the available evidence, the clinical significance of this variant remains unclear.

Labcorp Genetics (formerly Invitae), Labcorp
Classification: Uncertain significance for Bloom syndrome. Last evaluated: 2025-03-12. Review status: criteria provided, single submitter. Criteria: Invitae Variant Classification Sherloc (09022015). Collection method: clinical testing. Allele origin: germline.
Comment: This sequence change replaces glutamine, which is neutral and polar, with leucine, which is neutral and non-polar, at codon 1387 of the BLM protein (p.Gln1387Leu). This variant is not present in population databases (gnomAD no frequency). This variant has not been reported in the literature in individuals affected with BLM-related conditions. Invitae Evidence Modeling of protein sequence and biophysical properties (such as structural, functional, and spatial information, amino acid conservation, physicochemical variation, residue mobility, and thermodynamic stability) indicates that this missense variant is not expected to disrupt BLM protein function with a negative predictive value of 80%. In summary, the available evidence is currently insufficient to determine the role of this variant in disease. Therefore, it has been classified as a Variant of Uncertain Significance.

NM_000057.4(BLM):c.4160A>T (p.Gln1387Leu)

Gene: BLM (BLM RecQ like helicase; plus strand). Cytogenetic location: 15q26.1.
Variant type: single nucleotide variant.
Coding change: c.4160A>T on transcript NM_000057.4 (MANE Select); coding-DNA position 4160, A replaced by T.
Protein change: p.Gln1387Leu; replaces glutamine 1387 with leucine.
Molecular consequence: missense variant.
Genome position (GRCh38, 1-based): chr15:90,815,185, A>T. VCF-style: chr15-90815185-A-T. GRCh37 (hg19) VCF-style: chr15-91358415-A-T.
Other names: c.4160A>T, p.Gln1387Leu (NM_001287246.2); c.3767A>T, p.Gln1256Leu (NM_001287247.2); c.3035A>T, p.Gln1012Leu (NM_001287248.2); short protein forms Q1012L, Q1256L, Q1387L.
Identifiers: ClinVar variation 4211640 (VCV004211640.2).